The following is an entry in ClinVar:

NM_001374828.1(ARID1B):c.4309C>T (p.Pro1437Ser)

Gene: ARID1B (AT-rich interaction domain 1B; plus strand). Cytogenetic location: 6q25.3.
Variant type: single nucleotide variant.
Coding change: c.4309C>T on transcript NM_001374828.1 (MANE Select); coding-DNA position 4309, C replaced by T.
Protein change: p.Pro1437Ser; replaces proline 1437 with serine.
Molecular consequence: missense variant.
Genome position (GRCh38, 1-based): chr6:157,196,242, C>T. VCF-style: chr6-157196242-C-T. GRCh37 (hg19) VCF-style: chr6-157517376-C-T.
Other names: c.1810C>T, p.Pro604Ser (NM_001363725.2); c.4189C>T, p.Pro1397Ser (NM_001371656.1, NM_001374820.1); c.4438C>T, p.Pro1480Ser (NM_001438482.1); c.4351C>T, p.Pro1451Ser (NM_001438483.1); c.4219C>T, p.Pro1407Ser (NM_001438485.1); c.4192C>T, p.Pro1398Ser (NM_001438486.1); c.4129C>T, p.Pro1377Ser (NM_001438487.1); c.1651C>T, p.Pro551Ser (NM_001438488.1); and 1 more; short protein forms P1377S, P1384S, P1397S, P1398S, P1407S, P1437S, P1451S, P1480S.
Identifiers: ClinVar variation 5041233 (VCV005041233.1).

ClinVar aggregate classification (germline): Likely benign (1 of 4 stars; one submission).

gnomAD v4.1: 15 of 1,613,348 alleles (0.00093%); highest among the groups gnomAD compares: African/African-American, 0.0027%; no homozygotes.

Submission:

CeGaT Center for Human Genetics Tuebingen
Classification: Likely benign. Last evaluated: 2026-09-01. Review status: criteria provided, single submitter. Criteria: CeGaT Center For Human Genetics Tuebingen Variant Classification Criteria Version 2. Collection method: clinical testing. Allele origin: germline. Affected: yes. Observed: 1 variant allele.
Comment: ARID1B: BS2